The following is an entry in ClinVar:

NM_015627.3(LDLRAP1):c.272_276delinsTAAT (p.Lys91fs)

Gene: LDLRAP1 (low density lipoprotein receptor adaptor protein 1; plus strand). Cytogenetic location: 1p36.11.
Variant type: Indel.
Coding change: c.272_276delinsTAAT on transcript NM_015627.3 (MANE Select); coding-DNA positions 272 to 276, AGGTG replaced by TAAT.
Protein change: p.Lys91fs; shifts the reading frame from lysine 91.
Molecular consequence: frameshift variant.
Genome position (GRCh38, 1-based): chr1:25,554,900-25,554,904, AGGTG replaced by TAAT. VCF-style: chr1-25554900-AGGTG-TAAT. GRCh37 (hg19) VCF-style: chr1-25881391-AGGTG-TAAT.
Other names: short protein forms K91fs.
Identifiers: ClinVar variation 4815876 (VCV004815876.1).

ClinVar aggregate classification (germline): Likely pathogenic (1 of 4 stars; one submission).

Conditions:
Familial hypercholesterolemia. Also called: Familial hypercholesterolaemia. Identifiers: MedGen C0020445, MONDO:0005439.

Submission:

Natera, Inc.
Classification: Likely pathogenic for Familial hypercholesterolemia. Last evaluated: 2024-08-05. Review status: criteria provided, single submitter. Criteria: Natera Variant Classification Schema (03/2026). Collection method: clinical testing. Allele origin: germline.
Comment: The c.272_276delAGGTGinsTAAT variant in LDLRAP1 is a frameshift variant predicted to shift the reading frame beginning at codon 91 and leads to a stop codon 9 codons downstream. This variant is expected to result in nonsense mediated decay, truncation, or a dysfunctional protein product. This variant is rare in the general population with a frequency below the threshold expected for the associated phenotype(s). Given the available evidence, this variant is classified as Likely Pathogenic.